The following is an entry in ClinVar:

ClinVar aggregate classification (germline): Uncertain significance (1 of 4 stars; one submission).

Conditions:
MHC class II deficiency. Also called: Bare lymphocyte syndrome 2; BLS, TYPE II. Identifiers: Orphanet 572, MedGen C5447452, MONDO:0008855.

Submission:

Labcorp Genetics (formerly Invitae), Labcorp
Classification: Uncertain significance for MHC class II deficiency. Last evaluated: 2021-05-19. Review status: criteria provided, single submitter. Criteria: Invitae Variant Classification Sherloc (09022015). Collection method: clinical testing. Allele origin: germline.
Comment: In summary, the available evidence is currently insufficient to determine the role of this variant in disease. Therefore, it has been classified as a Variant of Uncertain Significance. Algorithms developed to predict the effect of missense changes on protein structure and function are either unavailable or do not agree on the potential impact of this missense change (SIFT: "Not Available"; PolyPhen-2: "Possibly Damaging"; Align-GVGD: "Not Available"). This variant has not been reported in the literature in individuals with RFX5-related conditions. The frequency data for this variant in the population databases is not available, as this variant may be reported as separate entries in the ExAC database. This sequence change replaces alanine with phenylalanine at codon 448 of the RFX5 protein (p.Ala448Phe). The alanine residue is weakly conserved and there is a moderate physicochemical difference between alanine and phenylalanine.

NM_001025603.2(RFX5):c.1342_1343delinsTT (p.Ala448Phe)

Gene: RFX5 (regulatory factor X5; minus strand). Cytogenetic location: 1q21.3.
Variant type: Indel.
Coding change: c.1342_1343delinsTT on transcript NM_001025603.2 (MANE Select); coding-DNA positions 1342 to 1343, GC replaced by TT.
Protein change: p.Ala448Phe; replaces alanine 448 with phenylalanine.
Molecular consequence: missense variant.
Genome position (GRCh38, 1-based): chr1:151,342,694-151,342,695, GC replaced by AA on the plus strand (GC replaced by TT on the coding strand, the reverse complement: RFX5 is on the minus strand). VCF-style: chr1-151342694-GC-AA. GRCh37 (hg19) VCF-style: chr1-151315170-GC-AA.
Other names: c.1342_1343delinsTT, p.Ala448Phe (NM_000449.4, NM_001379412.1, NM_001379413.1 and 5 more transcripts); c.1222_1223delinsTT, p.Ala408Phe (NM_001379419.1, NM_001379420.1); short protein forms A448F, A408F.
Identifiers: ClinVar variation 1347202 (VCV001347202.6), dbSNP rs2102059917, ClinGen allele CA2573131011.